The following is an entry in ClinVar:

ClinVar aggregate classification (germline): Pathogenic (1 of 4 stars; one submission).

Submission:

ISCA Site 6
Classification: Pathogenic. Last evaluated: 2011-08-12. Review status: criteria provided, single submitter. Criteria: Kaminsky et al. (Genet Med. 2011). Collection method: clinical testing. Allele origin: unknown, paternal. Affected: yes. Observed: 2 variant alleles.
Comment: Copy number variation identified through the course of routine clinical cytogenomic testing in postnatal populations. Clinical assertions have been curated as described in Kaminsky et al. 2011.

GRCh38/hg38 1q21.1-21.2(chr1:145601946-146944906)x3

Genes: ANKRD34A (ankyrin repeat domain 34A; minus strand), ANKRD35 (ankyrin repeat domain 35; minus strand), ANKRD35-DT (ANKRD35 divergent transcript; plus strand), CD160 (CD160 molecule; plus strand), CH17-408M7.1 (uncharacterized LOC102724558; plus strand) and 59 more. Cytogenetic location: 1q21.1-21.2.
Variant type: copy number gain.
Change: copy number 3 (three copies instead of two) of chr1:145,601,946-146,944,906 (1.34 Mb, GRCh38 coordinates, 1-based), cytogenetic band 1q21.1-21.2.
Identifiers: ClinVar variation 59353 (VCV000059353.2).